The following is an entry in ClinVar:

NM_001276270.2(MBD4):c.393T>A (p.Asn131Lys)

Gene: MBD4 (methyl-CpG binding domain 4, DNA glycosylase; minus strand). Cytogenetic location: 3q21.3.
Variant type: single nucleotide variant.
Coding change: c.393T>A on transcript NM_001276270.2 (MANE Select); coding-DNA position 393, T replaced by A.
Protein change: p.Asn131Lys; replaces asparagine 131 with lysine.
Molecular consequence: missense variant. On other transcripts: intron variant (1).
Genome position (GRCh38, 1-based): chr3:129,437,251, A>T on the plus strand (T>A on the coding strand, the complement: MBD4 is on the minus strand). VCF-style: chr3-129437251-A-T. GRCh37 (hg19) VCF-style: chr3-129156094-A-T.
Other names: c.393T>A, p.Asn131Lys (NM_001276271.2, NM_001276272.2, NM_003925.3); c.247+557T>A (NM_001276273.2); short protein forms N131K.
Identifiers: ClinVar variation 4624377 (VCV004624377.1).

ClinVar aggregate classification (germline): Uncertain significance (1 of 4 stars; one submission).

Conditions:
Inborn genetic diseases. Identifiers: MedGen C0950123, MeSH D030342.

Submission:

Ambry Genetics
Classification: Uncertain significance for Inborn genetic diseases. Last evaluated: 2025-09-19. Review status: criteria provided, single submitter. Criteria: Ambry Variant Classification Scheme 2023. Collection method: clinical testing. Allele origin: germline.
Comment: The p.N131K variant (also known as c.393T>A), located in coding exon 3 of the MBD4 gene, results from a T to A substitution at nucleotide position 393. The asparagine at codon 131 is replaced by lysine, an amino acid with similar properties. This amino acid position is conserved. In addition, the in silico prediction for this alteration is inconclusive. Based on the available evidence, the clinical significance of this variant remains unclear.